The following is an entry in ClinVar:

ClinVar aggregate classification (germline): Uncertain significance. Review status: criteria provided, single submitter (1 of 4 stars). 2 submissions from 2 submitters: Uncertain significance (1). 1 of the submissions does not count toward it. Last evaluated 2019-01-17.

Conditions:
ARID1B-Related Disorder. Identifiers: MedGen CN381337.
Coffin-Siris syndrome 1 (CSS1). Also called: ARID1B-Related Coffin-Siris Syndrome; Mental retardation, autosomal dominant 12. Identifiers: Orphanet 1465, MedGen C3281201, MONDO:0007617, OMIM 135900. Disease mechanism: gain of function.

Allele frequency attached by ClinVar (database versions not stated): gnomAD 0.00006; ESP Exome Variant Server 0.00008; TOPMed 0.00008; ExAC 0.00012; gnomAD exomes 0.00015.
gnomAD v4.1: 214 of 1,483,040 alleles (0.014%); highest among the groups gnomAD compares: Non-Finnish European, 0.018%; no homozygotes.

Submissions (2):

Revvity Omics, Revvity
Classification: Uncertain significance for Coffin-Siris syndrome 1. Last evaluated: 2019-01-17. Review status: criteria provided, single submitter. Criteria: ACMG Guidelines, 2015. Collection method: clinical testing. Allele origin: germline.

PreventionGenetics, part of Exact Sciences
Classification: Likely benign for ARID1B-related condition. Last evaluated: 2024-05-21. Review status: no assertion criteria provided. Collection method: clinical testing. Allele origin: germline. Not counted in ClinVar's aggregate classification.
Comment: This variant is classified as likely benign based on ACMG/AMP sequence variant interpretation guidelines (Richards et al. 2015 PMID: 25741868, with internal and published modifications).

NM_001374828.1(ARID1B):c.*3T>C

Gene: ARID1B (AT-rich interaction domain 1B; plus strand). Cytogenetic location: 6q25.3.
Variant type: single nucleotide variant.
Coding change: c.*3T>C on transcript NM_001374828.1 (MANE Select); 3 bases downstream of the stop codon, T replaced by C.
Molecular consequence: 3 prime UTR variant.
Genome position (GRCh38, 1-based): chr6:157,207,894, T>C. VCF-style: chr6-157207894-T-C. GRCh37 (hg19) VCF-style: chr6-157529028-T-C.
Other names: c.*3T>C (NM_001346813.1, NM_001363725.2, NM_001371656.1 and 4 more transcripts).
Identifiers: ClinVar variation 2439175 (VCV002439175.3), dbSNP rs367616374, ClinGen allele CA4068107.